The following is an entry in ClinVar:

NM_004990.4(MARS1):c.2241T>G (p.Asn747Lys)

Gene: MARS1 (methionyl-tRNA synthetase 1; plus strand). Cytogenetic location: 12q13.3.
Variant type: single nucleotide variant.
Coding change: c.2241T>G on transcript NM_004990.4 (MANE Select); coding-DNA position 2241, T replaced by G.
Protein change: p.Asn747Lys; replaces asparagine 747 with lysine.
Molecular consequence: missense variant.
Genome position (GRCh38, 1-based): chr12:57,515,186, T>G. VCF-style: chr12-57515186-T-G. GRCh37 (hg19) VCF-style: chr12-57908969-T-G.
Other names: short protein forms N747K.
Identifiers: ClinVar variation 2030235 (VCV002030235.4), dbSNP rs373102265, ClinGen allele CA385466085.

ClinVar aggregate classification (germline): Uncertain significance (1 of 4 stars; one submission).

Conditions:
Charcot-Marie-Tooth disease axonal type 2U. Also called: CHARCOT-MARIE-TOOTH NEUROPATHY, TYPE 2U; CHARCOT-MARIE-TOOTH DISEASE, AXONAL, AUTOSOMAL DOMINANT, TYPE 2U. Identifiers: Orphanet 397735, MedGen C4084821, MONDO:0014566, OMIM 616280.
Severe early-onset pulmonary alveolar proteinosis due to MARS deficiency. Also called: Interstitial lung and liver disease; PULMONARY ALVEOLAR PROTEINOSIS, REUNION ISLAND. Identifiers: Orphanet 440427, MedGen C4225400, MONDO:0014206, OMIM 615486.

Submission:

Labcorp Genetics (formerly Invitae), Labcorp
Classification: Uncertain significance for Charcot-Marie-Tooth disease axonal type 2U; Severe early-onset pulmonary alveolar proteinosis due to MARS deficiency. Last evaluated: 2022-09-13. Review status: criteria provided, single submitter. Criteria: Invitae Variant Classification Sherloc (09022015). Collection method: clinical testing. Allele origin: germline.
Comment: This sequence change replaces asparagine, which is neutral and polar, with lysine, which is basic and polar, at codon 747 of the MARS protein (p.Asn747Lys). This variant is not present in population databases (gnomAD no frequency). This variant has not been reported in the literature in individuals affected with MARS-related conditions. Algorithms developed to predict the effect of missense changes on protein structure and function are either unavailable or do not agree on the potential impact of this missense change (SIFT: "Deleterious"; PolyPhen-2: "Probably Damaging"; Align-GVGD: "Class C0"). In summary, the available evidence is currently insufficient to determine the role of this variant in disease. Therefore, it has been classified as a Variant of Uncertain Significance.